The following is an entry in ClinVar:

ClinVar aggregate classification (germline): Likely benign (1 of 4 stars; one submission).

gnomAD v4.1: 7,155 of 1,593,214 alleles (0.45%); highest among the groups gnomAD compares: Non-Finnish European, 0.51%; 23 homozygotes.

Submission:

CeGaT Center for Human Genetics Tuebingen
Classification: Likely benign. Last evaluated: 2025-07-01. Review status: criteria provided, single submitter. Criteria: CeGaT Center For Human Genetics Tuebingen Variant Classification Criteria Version 2. Collection method: clinical testing. Allele origin: germline. Affected: yes. Observed: 1 variant allele.
Comment: TMEM256: BS2

NM_152766.5(TMEM256):c.13G>C (p.Ala5Pro)

Genes: TMEM256 (transmembrane protein 256; minus strand), TMEM256-PLSCR3 (TMEM256-PLSCR3 readthrough (NMD candidate); minus strand), LOC130060142 (ATAC-STARR-seq lymphoblastoid active region 11618; plus strand). Cytogenetic location: 17p13.1.
Variant type: single nucleotide variant.
Coding change: c.13G>C on transcript NM_152766.5 (MANE Select); coding-DNA position 13, G replaced by C.
Protein change: p.Ala5Pro; replaces alanine 5 with proline.
Molecular consequence: missense variant. On other transcripts: non-coding transcript variant (1).
Genome position (GRCh38, 1-based): chr17:7,404,072, C>G on the plus strand (G>C on the coding strand, the complement: TMEM256 is on the minus strand). VCF-style: chr17-7404072-C-G. GRCh37 (hg19) VCF-style: chr17-7307391-C-G.
Other names: short protein forms A5P.
Identifiers: ClinVar variation 4083682 (VCV004083682.8).